The following is an entry in ClinVar:

ClinVar aggregate classification (germline): Likely pathogenic (1 of 4 stars; one submission).

Submission:

GeneDx
Classification: Likely pathogenic. Last evaluated: 2022-03-14. Review status: criteria provided, single submitter. Criteria: GeneDx Variant Classification Process June 2021. Collection method: clinical testing. Allele origin: germline. Affected: yes.
Comment: Not observed at significant frequency in large population cohorts (gnomAD); Missense variants in this gene are often considered pathogenic (HGMD); In silico analysis supports that this missense variant has a deleterious effect on protein structure/function; This variant is associated with the following publications: (PMID: 31357904, 23195492, 29655203, 28150151)

NM_001165963.4(SCN1A):c.4926G>T (p.Arg1642Ser)

Genes: SCN1A (sodium voltage-gated channel alpha subunit 1; minus strand), LOC102724058 (uncharacterized LOC102724058; plus strand). Cytogenetic location: 2q24.3.
Variant type: single nucleotide variant.
Coding change: c.4926G>T on transcript NM_001165963.4 (MANE Select); coding-DNA position 4926, G replaced by T.
Protein change: p.Arg1642Ser; replaces arginine 1642 with serine.
Molecular consequence: missense variant. On other transcripts: non-coding transcript variant (1).
Genome position (GRCh38, 1-based): chr2:165,992,349, C>A on the plus strand (G>T on the coding strand, the complement: SCN1A is on the minus strand). VCF-style: chr2-165992349-C-A. GRCh37 (hg19) VCF-style: chr2-166848859-C-A.
Other names: c.4842G>T, p.Arg1614Ser (NM_001165964.3, NM_001353957.2, NM_001353958.2); c.4926G>T, p.Arg1642Ser (NM_001202435.3, NM_001353948.2); c.4893G>T, p.Arg1631Ser (NM_001353949.2, NM_001353950.2, NM_001353951.2 and 2 more transcripts); c.4890G>T, p.Arg1630Ser (NM_001353954.2, NM_001353955.2); c.4839G>T, p.Arg1613Ser (NM_001353960.2); c.2484G>T, p.Arg828Ser (NM_001353961.2); short protein forms R1631S, R1642S, R1613S, R828S, R1614S, R1630S.
Identifiers: ClinVar variation 429766 (VCV000429766.4), dbSNP rs1131691581, ClinGen allele CA349070171.